The following is an entry in ClinVar:

NM_001846.4(COL4A2):c.2097T>C (p.Gly699=)

Gene: COL4A2 (collagen type IV alpha 2 chain; plus strand). Cytogenetic location: 13q34.
Variant type: single nucleotide variant.
Coding change: c.2097T>C on transcript NM_001846.4 (MANE Select); coding-DNA position 2097, T replaced by C.
Protein change: p.Gly699=; no amino-acid change (glycine 699 retained).
Molecular consequence: synonymous variant.
Genome position (GRCh38, 1-based): chr13:110,469,218, T>C. VCF-style: chr13-110469218-T-C. GRCh37 (hg19) VCF-style: chr13-111121565-T-C.
Identifiers: ClinVar variation 1903002 (VCV001903002.29), dbSNP rs201392418, ClinGen allele CA7049849.

ClinVar aggregate classification (germline): Likely benign. Review status: criteria provided, multiple submitters, no conflicts (2 of 4 stars). 2 submissions from 2 submitters: Likely benign (2). Last evaluated 2024-09-19.

Allele frequency attached by ClinVar (database versions not stated): gnomAD exomes 0.00001; TOPMed 0.00016; gnomAD 0.00018; ExAC 0.00022; ESP Exome Variant Server 0.00041.
gnomAD v4.1: 43 of 1,586,380 alleles (0.0027%); highest among the groups gnomAD compares: African/African-American, 0.056%; no homozygotes.

Submissions (2):

Labcorp Genetics (formerly Invitae), Labcorp
Classification: Likely benign. Last evaluated: 2024-09-19. Review status: criteria provided, single submitter. Criteria: Invitae Variant Classification Sherloc (09022015). Collection method: clinical testing. Allele origin: germline.

CeGaT Center for Human Genetics Tuebingen
Classification: Likely benign. Last evaluated: 2023-09-01. Review status: criteria provided, single submitter. Criteria: CeGaT Center For Human Genetics Tuebingen Variant Classification Criteria Version 2. Collection method: clinical testing. Allele origin: germline. Affected: yes. Observed: 1 variant allele.
Comment: COL4A2: BP4, BP7